The following is an entry in ClinVar:

NM_001378414.1(HDAC4):c.1165C>A (p.Pro389Thr)

Gene: HDAC4 (histone deacetylase 4; minus strand). Cytogenetic location: 2q37.3.
Variant type: single nucleotide variant.
Coding change: c.1165C>A on transcript NM_001378414.1 (MANE Select); coding-DNA position 1165, C replaced by A.
Protein change: p.Pro389Thr; replaces proline 389 with threonine.
Molecular consequence: missense variant.
Genome position (GRCh38, 1-based): chr2:239,134,374, G>T on the plus strand (C>A on the coding strand, the complement: HDAC4 is on the minus strand). VCF-style: chr2-239134374-G-T. GRCh37 (hg19) VCF-style: chr2-240056070-G-T.
Other names: c.1165C>A, p.Pro389Thr (NM_001378415.1, NM_001378416.1, NM_001378417.1 and 1 more transcripts); short protein forms P389T.
Identifiers: ClinVar variation 3370755 (VCV003370755.1).

ClinVar aggregate classification (germline): Uncertain significance (1 of 4 stars; one submission).

Submission:

GeneDx
Classification: Uncertain significance. Last evaluated: 2024-03-19. Review status: criteria provided, single submitter. Criteria: GeneDx Variant Classification Process June 2021. Collection method: clinical testing. Allele origin: germline. Affected: yes.
Comment: Not observed at significant frequency in large population cohorts (gnomAD); In silico analysis supports that this missense variant does not alter protein structure/function; Has not been previously published as pathogenic or benign to our knowledge